The following is an entry in ClinVar:

NM_016306.6(DNAJB11):c.324-8A>C

Gene: DNAJB11 (DnaJ heat shock protein family (Hsp40) member B11; plus strand). Cytogenetic location: 3q27.3.
Variant type: single nucleotide variant.
Coding change: c.324-8A>C on transcript NM_016306.6 (MANE Select); 8 bases into the intron before coding-DNA position 324, A replaced by C.
Molecular consequence: intron variant.
Genome position (GRCh38, 1-based): chr3:186,577,660, A>C. VCF-style: chr3-186577660-A-C. GRCh37 (hg19) VCF-style: chr3-186295449-A-C.
Other names: c.323+1723A>C (NM_001378451.1).
Identifiers: ClinVar variation 3350032 (VCV003350032.1).

ClinVar aggregate classification (germline): Likely benign (0 of 4 stars; one submission).

Conditions:
DNAJB11-related disorder. Also called: DNAJB11-related condition.

Submission:

PreventionGenetics, part of Exact Sciences
Classification: Likely benign for DNAJB11-related condition. Last evaluated: 2024-03-07. Review status: no assertion criteria provided. Collection method: clinical testing. Allele origin: germline.
Comment: This variant is classified as likely benign based on ACMG/AMP sequence variant interpretation guidelines (Richards et al. 2015 PMID: 25741868, with internal and published modifications).